The following is an entry in ClinVar:

NM_024312.5(GNPTAB):c.2765dup (p.Asn922fs)

Gene: GNPTAB (N-acetylglucosamine-1-phosphate transferase subunits alpha and beta; minus strand). Cytogenetic location: 12q23.2.
Variant type: Duplication.
Coding change: c.2765dup on transcript NM_024312.5 (MANE Select); coding-DNA position 2765, one base duplicated (A; older notation c.2765dupA).
Protein change: p.Asn922fs; shifts the reading frame from asparagine 922.
Molecular consequence: frameshift variant.
Genome position (GRCh38, 1-based): chr12:101,761,714, T duplicated on the plus strand (A on the coding strand, the reverse complement: GNPTAB is on the minus strand); the first of 5 consecutive T bases (chr12:101,761,714-101,761,718); duplicating any one gives the same sequence. VCF-style (leftmost placement, unchanged base first): chr12-101761713-A-AT. GRCh37 (hg19) VCF-style: chr12-102155491-A-AT.
Other names: short protein forms N922fs.
Identifiers: ClinVar variation 4068838 (VCV004068838.2).
Genomic context (GRCh38, chr12:101,761,713, plus strand): 5'-TAGAATTTTATTTACATATCTGAGGGAATCTGCAAATGTATCTTTTAGTTGCCTCCCAGT[A>AT]TTTTTGCTATCAGTGAAGTATGCCAATTGTGTCTTCAATGACTCTTCTTCCTGAAAAGAG-3'

ClinVar aggregate classification (germline): Likely pathogenic (1 of 4 stars; one submission).

Conditions:
Mucolipidosis type II. Also called: ML II ALPHA/BETA; Mucolipidosis 2; ML 2; Inclusion cell disease; Leroy Disease; N-acetylglucosamine 1phosphotransferase deficiency. Identifiers: Orphanet 576, MedGen C2673377, MONDO:0009650, OMIM 252500.

Submission:

Natera, Inc.
Classification: Likely pathogenic for Mucolipidosis type II. Last evaluated: 2025-03-31. Review status: criteria provided, single submitter. Criteria: Natera Variant Classification Schema (03/2026). Collection method: clinical testing. Allele origin: germline.
Comment: The c.2765dup variant in GNPTAB is a frameshift variant predicted to shift the reading frame beginning at codon 922 and leads to a stop codon 19 codons downstream. This variant is expected to result in nonsense mediated decay, truncation, or a dysfunctional protein product. This variant is rare in the general population with a frequency below the threshold expected for the associated phenotype(s). Given the available evidence, this variant is classified as Likely Pathogenic.